The following is an entry in ClinVar:

ClinVar aggregate classification (germline): Conflicting classifications of pathogenicity. Review status: criteria provided, conflicting classifications (1 of 4 stars). 7 submissions from 7 submitters: Uncertain significance (1); Benign (1); Likely benign (5). Last evaluated 2025-12-24.

Conditions:
Landau-Kleffner syndrome (FESD). Also called: EPILEPSY, FOCAL, WITH SPEECH DISORDER AND WITH OR WITHOUT MENTAL RETARDATION; APHASIA, ACQUIRED, WITH EPILEPSY. Identifiers: Orphanet 1945, Orphanet 725, Orphanet 98818, MedGen C0282512, MONDO:0009509, OMIM 245570.
Inborn genetic diseases. Identifiers: MedGen C0950123, MeSH D030342.

Allele frequency attached by ClinVar (database versions not stated): gnomAD 0.00004; 1000 Genomes Project 30x 0.00031; 1000 Genomes Project 0.00040; TOPMed 0.00004.
gnomAD v4.1: 64 of 1,614,062 alleles (0.004%); highest among the groups gnomAD compares: African/African-American, 0.035%; no homozygotes.

Submissions (7):

Labcorp Genetics (formerly Invitae), Labcorp
Classification: Likely benign for Landau-Kleffner syndrome. Last evaluated: 2025-12-24. Review status: criteria provided, single submitter. Criteria: Invitae Variant Classification Sherloc (09022015). Collection method: clinical testing. Allele origin: germline.

Blueprint Genetics
Classification: Likely benign. Last evaluated: 2024-02-16. Review status: criteria provided, single submitter. Criteria: ACMG Guidelines, 2015. Collection method: clinical testing. Allele origin: germline.

CeGaT Center for Human Genetics Tuebingen
Classification: Likely benign. Last evaluated: 2022-10-01. Review status: criteria provided, single submitter. Criteria: CeGaT Center For Human Genetics Tuebingen Variant Classification Criteria Version 2. Collection method: clinical testing. Allele origin: germline. Affected: yes. Observed: 1 variant allele.
Comment: GRIN2A: BP4, BP7

Illumina Laboratory Services, Illumina
Classification: Benign for Landau-Kleffner syndrome. Last evaluated: 2018-01-12. Review status: criteria provided, single submitter. Criteria: ICSL Variant Classification Criteria 13 December 2019. Collection method: clinical testing. Allele origin: germline.
Comment: This variant was observed in the ICSL laboratory as part of a predisposition screen in an ostensibly healthy population. It had not been previously curated by ICSL or reported in the Human Gene Mutation Database (HGMD: prior to June 1st, 2018), and was therefore a candidate for classification through an automated scoring system. Utilizing variant allele frequency, disease prevalence and penetrance estimates, and inheritance mode, an automated score was calculated to assess if this variant is too frequent to cause the disease. Based on the score and internal cut-off values, a variant classified as benign is not then subjected to further curation. The score for this variant resulted in a classification of benign for this disease.

Ambry Genetics
Classification: Likely benign for Inborn genetic diseases. Last evaluated: 2017-12-15. Review status: criteria provided, single submitter. Criteria: Ambry Variant Classification Scheme 2023. Collection method: clinical testing. Allele origin: germline.

GeneDx
Classification: Likely benign. Last evaluated: 2016-04-25. Review status: criteria provided, single submitter. Criteria: GeneDx Variant Classification (06012015). Collection method: clinical testing. Allele origin: germline. Affected: yes.
Comment: This variant is considered likely benign or benign based on one or more of the following criteria: it is a conservative change, it occurs at a poorly conserved position in the protein, it is predicted to be benign by multiple in silico algorithms, and/or has population frequency not consistent with disease.

Genetic Services Laboratory, University of Chicago
Classification: Uncertain significance. Last evaluated: 2015-09-23. Review status: criteria provided, single submitter. Criteria: ACMG Guidelines, 2015. Collection method: clinical testing. Allele origin: germline. Affected: no.

NM_001134407.3(GRIN2A):c.2664G>A (p.Thr888=)

Gene: GRIN2A (glutamate ionotropic receptor NMDA type subunit 2A; minus strand). Cytogenetic location: 16p13.2.
Variant type: single nucleotide variant.
Coding change: c.2664G>A on transcript NM_001134407.3 (MANE Select); coding-DNA position 2664, G replaced by A.
Protein change: p.Thr888=; no amino-acid change (threonine 888 retained).
Molecular consequence: synonymous variant.
Genome position (GRCh38, 1-based): chr16:9,764,880, C>T on the plus strand (G>A on the coding strand, the complement: GRIN2A is on the minus strand). VCF-style: chr16-9764880-C-T. GRCh37 (hg19) VCF-style: chr16-9858737-C-T.
Other names: c.2664G>A, p.Thr888= (NM_000833.5, NM_001134408.2).
Identifiers: ClinVar variation 321608 (VCV000321608.53), dbSNP rs113847665, ClinGen allele CA7896443.